The following is an entry in ClinVar:

NM_000089.4(COL1A2):c.2095G>C (p.Ala699Pro)

Gene: COL1A2 (collagen type I alpha 2 chain; plus strand). Cytogenetic location: 7q21.3.
Variant type: single nucleotide variant.
Coding change: c.2095G>C on transcript NM_000089.4 (MANE Select); coding-DNA position 2095, G replaced by C.
Protein change: p.Ala699Pro; replaces alanine 699 with proline.
Molecular consequence: missense variant.
Genome position (GRCh38, 1-based): chr7:94,420,248, G>C. VCF-style: chr7-94420248-G-C. GRCh37 (hg19) VCF-style: chr7-94049560-G-C.
Other names: short protein forms A699P.
Identifiers: ClinVar variation 2933575 (VCV002933575.6), dbSNP rs1792129489, ClinGen allele CA368223236.

ClinVar aggregate classification (germline): Uncertain significance. Review status: criteria provided, multiple submitters, no conflicts (2 of 4 stars). 3 submissions from 3 submitters: Uncertain significance (3). Last evaluated 2026-03-30.

Conditions:
Ehlers-Danlos syndrome, classic type, 1 (EDSCL1). Also called: EHLERS-DANLOS SYNDROME, GRAVIS TYPE; EHLERS-DANLOS SYNDROME, SEVERE CLASSIC TYPE; Ehlers-Danlos syndrome, type 1; EDS I; Ehlers-Danlos Syndrome, Classic Type, COL5A1-Related. Identifiers: MedGen C0268335, MONDO:0019567, OMIM 130000.
Osteogenesis imperfecta type I (OI1). Also called: OI, TYPE I; OSTEOGENESIS IMPERFECTA TARDA; OSTEOGENESIS IMPERFECTA WITH BLUE SCLERAE; Osteogenesis imperfecta type 1; Lobstein's Disease; Lobstein disease. Identifiers: Orphanet 216796, Orphanet 666, MedGen C0023931, MONDO:0008146, OMIM 166200. Disease mechanism: loss of function.

Allele frequency attached by ClinVar (database versions not stated): TOPMed below 0.00001.

Submissions (3):

Dasa
Classification: Uncertain significance. Last evaluated: 2026-03-30. Review status: criteria provided, single submitter. Criteria: DASA Assertion Criteria. Collection method: clinical testing. Allele origin: germline.
Comment: NM_000089.4(COL1A2):c.2095G>C (p.Ala699Pro) is a missense variant that results in the substitution of alanine with proline. This variant is rare in population databases. The currently available literature and clinical evidence are not sufficient to establish a definitive association between this variant and the reported condition. Therefore, this variant is classified as a variant of uncertain significance.

GeneDx
Classification: Uncertain significance. Last evaluated: 2024-01-02. Review status: criteria provided, single submitter. Criteria: GeneDx Variant Classification Process June 2021. Collection method: clinical testing. Allele origin: germline. Affected: yes.
Comment: Not observed at significant frequency in large population cohorts (gnomAD); In silico analysis supports that this missense variant does not alter protein structure/function; Has not been previously published as pathogenic or benign to our knowledge

Labcorp Genetics (formerly Invitae), Labcorp
Classification: Uncertain significance for Osteogenesis imperfecta type I; Ehlers-Danlos syndrome, classic type, 1. Last evaluated: 2023-05-03. Review status: criteria provided, single submitter. Criteria: Invitae Variant Classification Sherloc (09022015). Collection method: clinical testing. Allele origin: germline.
Comment: In summary, the available evidence is currently insufficient to determine the role of this variant in disease. Therefore, it has been classified as a Variant of Uncertain Significance. Advanced modeling of protein sequence and biophysical properties (such as structural, functional, and spatial information, amino acid conservation, physicochemical variation, residue mobility, and thermodynamic stability) performed at Invitae indicates that this missense variant is not expected to disrupt COL1A2 protein function. This variant has not been reported in the literature in individuals affected with COL1A2-related conditions. This variant is not present in population databases (gnomAD no frequency). This sequence change replaces alanine, which is neutral and non-polar, with proline, which is neutral and non-polar, at codon 699 of the COL1A2 protein (p.Ala699Pro).